The following is an entry in ClinVar:

ClinVar aggregate classification (germline): Likely benign (1 of 4 stars; one submission).

Conditions:
Hereditary breast ovarian cancer syndrome. Also called: Hereditary breast and/or ovarian cancer syndrome; BRCA1- and BRCA2-Associated Hereditary Breast and Ovarian Cancer; Hereditary breast and ovarian cancer syndrome; Hereditary breast and ovarian cancer; Hereditary breast and ovarian cancer syndrome (HBOC); Breast and ovarian cancer. Identifiers: Orphanet 145, MedGen C0677776, MeSH D061325, MONDO:0003582. Disease mechanism: loss of function.

Allele frequency attached by ClinVar (database versions not stated): gnomAD exomes below 0.00001.
gnomAD v4.1: 2 of 1,614,192 alleles (0.00012%); highest among the groups gnomAD compares: Non-Finnish European, 0.00017%; no homozygotes.

Submissions (2):

Labcorp Genetics (formerly Invitae), Labcorp
Classification: Likely benign for Hereditary breast ovarian cancer syndrome. Last evaluated: 2025-02-05. Review status: criteria provided, single submitter. Criteria: Invitae Variant Classification Sherloc (09022015). Collection method: clinical testing. Allele origin: germline.

Brotman Baty Institute, University of Washington
No classification provided (evidence only). Condition: Breast-ovarian cancer, familial 1. Review status: no classification provided. Collection method: in vitro. Allele origin: not applicable. Functional consequence: functionally_normal. Not counted in ClinVar's aggregate classification.
ClinVar note: "not provided" was previously submitted as the classification for the variant. However, the classification appeared to be based only on an observation of functional data so it was converted to no classification on 2025-07-30.

NM_007294.4(BRCA1):c.5467+15T>G

Gene: BRCA1 (BRCA1 DNA repair associated; minus strand). Cytogenetic location: 17q21.31.
Variant type: single nucleotide variant.
Coding change: c.5467+15T>G on transcript NM_007294.4 (MANE Select); 15 bases into the intron after coding-DNA position 5467, T replaced by G.
Molecular consequence: intron variant.
Genome position (GRCh38, 1-based): chr17:43,047,628, A>C on the plus strand (T>G on the coding strand, the complement: BRCA1 is on the minus strand). VCF-style: chr17-43047628-A-C. GRCh37 (hg19) VCF-style: chr17-41199645-A-C.
Other names: c.5338+15T>G (NM_001407689.1, NM_001407681.1, NM_001407687.1 and 6 more transcripts); c.5341+15T>G (NM_001407670.1, NM_001407675.1, NM_001407680.1 and 8 more transcripts); c.2035+15T>G (NM_001408431.1, NM_001408425.1, NM_001408428.1 and 4 more transcripts); c.2038+15T>G (NM_001408424.1, NM_001408422.1, NM_001408423.1 and 1 more transcripts); c.2149+15T>G (NM_001408407.1, NM_001408406.1, NM_001408408.1); c.2152+15T>G (NM_001408402.1, NM_001408399.1, NM_001408403.1 and 7 more transcripts); c.2078+15T>G (NM_001408473.1); c.2155+15T>G (NM_001407984.1, NM_001407983.1, NM_001407992.1 and 10 more transcripts); and 83 more.
Identifiers: ClinVar variation 864893 (VCV000864893.12), dbSNP rs1231236572, ClinGen allele CA626076260.